The following is an entry in ClinVar:

NM_006063.3(KLHL41):c.930_939del (p.Asn310fs)

Gene: KLHL41 (kelch like family member 41; plus strand). Cytogenetic location: 2q31.1.
Variant type: Deletion.
Coding change: c.930_939del on transcript NM_006063.3 (MANE Select); coding-DNA positions 930 to 939, 10 bases deleted (TGACACAGCA; older notation c.930_939delTGACACAGCA).
Protein change: p.Asn310fs; shifts the reading frame from asparagine 310.
Molecular consequence: frameshift variant.
Genome position (GRCh38, 1-based): chr2:169,510,708-169,510,717, TGACACAGCA deleted; deleting any 10 consecutive bases within chr2:169,510,707-169,510,717 gives the same sequence; the c. name uses the placement nearest the transcript's 3' end. VCF-style (leftmost placement, unchanged base first): chr2-169510706-AATGACACAGC-A. GRCh37 (hg19) VCF-style: chr2-170367216-AATGACACAGC-A.
Other names: short protein forms N310fs.
Identifiers: ClinVar variation 645750 (VCV000645750.6), dbSNP rs1574349645, ClinGen allele CA915942948.

ClinVar aggregate classification (germline): Pathogenic (1 of 4 stars; one submission).

Conditions:
Nemaline myopathy 9 (NEM9). Identifiers: MedGen C3810384, MONDO:0014326, OMIM 615731.

Submission:

Labcorp Genetics (formerly Invitae), Labcorp
Classification: Pathogenic for Nemaline myopathy 9. Last evaluated: 2018-11-20. Review status: criteria provided, single submitter. Criteria: Invitae Variant Classification Sherloc (09022015). Collection method: clinical testing. Allele origin: germline.
Comment: For these reasons, this variant has been classified as Pathogenic. Loss-of-function variants in KLHL41 are known to be pathogenic (PMID: 24268659). This variant has not been reported in the literature in individuals with KLHL41-related disease. This variant is not present in population databases (ExAC no frequency). This sequence change creates a premature translational stop signal (p.Asn310Lysfs*38) in the KLHL41 gene. It is expected to result in an absent or disrupted protein product.

Literature cited by the submitters: PubMed 24268659.